The following is an entry in ClinVar:

ClinVar aggregate classification (germline): Pathogenic/Likely pathogenic. Review status: criteria provided, multiple submitters, no conflicts (2 of 4 stars). 7 submissions from 7 submitters: Pathogenic (6); Likely pathogenic (1). Last evaluated 2026-05-19.

Conditions:
Epidermolysis bullosa dystrophica. Also called: Dystrophic epidermolysis bullosa, Hallopeau-Siemens type (formerly); Dystrophic epidermolysis bullosa. Identifiers: Orphanet 303, MedGen C0079294, MONDO:0006543.
Recessive dystrophic epidermolysis bullosa (RDEB). Also called: DYSTROPHIC EPIDERMOLYSIS BULLOSA, AUTOSOMAL RECESSIVE; EPIDERMOLYSIS BULLOSA DYSTROPHICA, HALLOPEAU-SIEMENS TYPE; severe generalized recessive dystrophic epidermolysis bullosa; Hallopeau-Siemens Disease; EPIDERMOLYSIS BULLOSA DYSTROPHICA, GENERALIZED SEVERE, AUTOSOMAL RECESSIVE; Epidermolysis Bullosa Distrophica Autosomal Recessive (RDEB). Identifiers: Orphanet 79408, Orphanet 79409, MedGen C0079474, MONDO:0009179, OMIM 226600.
Pretibial dystrophic epidermolysis bullosa. Also called: Pretibial epidermolysis bullosa; EPIDERMOLYSIS BULLOSA DYSTROPHICA, PRETIBIAL; Pretibial blistering. Identifiers: Orphanet 79410, MedGen C0432321, MONDO:0007552, OMIM 131850, HP:0012221.
Dominant dystrophic epidermolysis bullosa with absence of skin. Also called: EPIDERMOLYSIS BULLOSA DYSTROPHICA, BART TYPE; EPIDERMOLYSIS BULLOSA WITH CONGENITAL LOCALIZED ABSENCE OF SKIN AND DEFORMITY OF NAILS. Identifiers: MedGen C0268371, MONDO:0007557, OMIM 132000.
Nonsyndromic congenital nail disorder 8. Also called: TOENAIL DYSTROPHY, ISOLATED. Identifiers: MedGen C1843761, MONDO:0011852, OMIM 607523.
Transient bullous dermolysis of the newborn (TBDN). Also called: DYSTROPHIC EPIDERMOLYSIS BULLOSA, NEONATAL; EPIDERMOLYSIS BULLOSA DYSTROPHICA, NEONATAL FORM. Identifiers: Orphanet 79411, MedGen C1851573, MONDO:0007548, OMIM 131705.
Epidermolysis bullosa pruriginosa. Also called: DEB, PRURIGINOSA; DYSTROPHIC EPIDERMOLYSIS BULLOSA PRURIGINOSA. Identifiers: Orphanet 89843, MedGen C1275114, MONDO:0011398, OMIM 604129.
Generalized dominant dystrophic epidermolysis bullosa (DDEB). Also called: DDEB, generalized; DDEB-gen; DYSTROPHIC EPIDERMOLYSIS BULLOSA, AUTOSOMAL DOMINANT; Epidermolysis bullosa dystrophica, autosomal dominant; Dominant DEB (DDEB). Identifiers: Orphanet 231568, MedGen C0432322, MONDO:0007549, OMIM 131750.

Allele frequency attached by ClinVar (database versions not stated): gnomAD exomes below 0.00001.
gnomAD v4.1: 5 of 1,609,914 alleles (0.00031%); highest among the groups gnomAD compares: East Asian, 0.0022%; no homozygotes.

Submissions (7):

Myriad Genetics, Inc.
Classification: Likely pathogenic for Recessive dystrophic epidermolysis bullosa. Last evaluated: 2026-05-19. Review status: criteria provided, single submitter. Criteria: Myriad Autosomal Dominant, Autosomal Recessive and X-Linked Classification Criteria (2023). Collection method: clinical testing. Allele origin: unknown.
Comment: NM_000094.3(COL7A1):c.7270C>T(R2424W) is a missense variant classified as likely pathogenic in the context of dystrophic epidermolysis bullosa. R2424W has been observed in cases with relevant disease (PMID: 29272047, 34948168, 20920254, 34046686, 32484238, 36287101). Relevant functional assessments of this variant are available in the literature (PMID: 34948168). R2424W has been observed in referenced population frequency databases. In summary, NM_000094.3(COL7A1):c.7270C>T(R2424W) is a missense variant that has been observed more frequently in cases with the relevant disease than in healthy populations. Please note: this variant was assessed in the context of healthy population screening.

GeneDx
Classification: Pathogenic. Last evaluated: 2026-04-19. Review status: criteria provided, single submitter. Criteria: GeneDx Variant Classification Process June 2021. Collection method: clinical testing. Allele origin: germline.
Comment: RT-PCR studies revealed that this variant is predicted to result in a null allele in a gene for which loss of function is a known mechanism of disease (PMID: 34948168); Not observed at significant frequency in large population cohorts (gnomAD); This variant is associated with the following publications: (PMID: 36287101, 36430820, 34046686, 32484238, 10504458, 34543471, 34948168, 20920254, Akasaka2022[Poster], 29272047)

Labcorp Genetics (formerly Invitae), Labcorp
Classification: Pathogenic. Last evaluated: 2026-01-14. Review status: criteria provided, single submitter. Criteria: Invitae Variant Classification Sherloc (09022015). Collection method: clinical testing. Allele origin: germline.
Comment: This sequence change replaces arginine, which is basic and polar, with tryptophan, which is neutral and slightly polar, at codon 2424 of the COL7A1 protein (p.Arg2424Trp). RNA analysis indicates that this missense change induces altered splicing and may result in an absent or altered protein product. The frequency data for this variant in the population databases is considered unreliable, as metrics indicate poor data quality at this position in the gnomAD database. This missense change has been observed in individual(s) with autosomal recessive dystrophic epidermolysis bullosa (PMID: 29272047, 32484238, 34948168). In at least one individual the data is consistent with being in trans (on the opposite chromosome) from a pathogenic variant. This variant has been reported in individual(s) with autosomal dominant dystrophic epidermolysis bullosa (PMID: 34046686); however, the role of the variant in this condition is currently unclear. ClinVar contains an entry for this variant (Variation ID: 1048045). An algorithm developed to predict the effect of missense changes on protein structure and function (PolyPhen-2) suggests that this variant is likely to be disruptive. Studies have shown that this missense change results in deletion of the last 26 amino acids of exon 94, and produces a non-functional protein and/or introduces a premature termination codon (PMID: 34948168). For these reasons, this variant has been classified as Pathogenic.

Natera, Inc.
Classification: Pathogenic for Dystrophic epidermolysis bullosa. Last evaluated: 2025-09-29. Review status: criteria provided, single submitter. Criteria: Natera Variant Classification Schema (03/2026). Collection method: clinical testing. Allele origin: germline.
Comment: The c.7270C>T variant in COL7A1 is a missense variant predicted to cause substitution of arginine to tryptophan at amino acid 2424. This variant is rare in the general population with a frequency below the threshold expected for the associated phenotype(s). This variant has been observed in one or more individuals affected with the associated recessive disease, as either homozygous or compound heterozygous with a second variant (PMID: 34948168, 32484238, 29272047). Functional studies show that this variant may disrupt protein function (PMID: 34948168). Computational prediction algorithms indicate this variant is likely to affect gene or protein function. Given the available evidence, this variant is classified as Pathogenic.

Women's Health and Genetics/Laboratory Corporation of America, LabCorp
Classification: Pathogenic for Dystrophic Epidermolysis Bullosa, Recessive. Last evaluated: 2024-03-28. Review status: criteria provided, single submitter. Criteria: LabCorp Variant Classification Summary - May 2015. Collection method: clinical testing. Allele origin: germline.
Comment: Variant summary: COL7A1 c.7270C>T (p.Arg2424Trp) results in a non-conservative amino acid change in the encoded protein sequence. Five of five in-silico tools predict a damaging effect of the variant on protein function. Several computational tools predict a significant impact on normal splicing: One predicts the variant abolishes the canonical 5' splicing donor site and two predict the variant weakens the 5' donor site. Two also predict the variant creates a new 5' donor site. At least one publication reports experimental evidence that this variant indeed affects mRNA splicing, ultimately resulting in a frameshift and premature termination codon (Akasaka_2021). The variant allele was found at a frequency of 4.1e-06 in 241652 control chromosomes (gnomAD). c.7270C>T has been reported in the literature in the compound heterozygous state together with pathogenic variants in individuals affected with Recessive Dystrophic Epidermolysis Bullosa (e.g. Knopfel_2018, Chen_2020, Akasaka_2021). These data indicate that the variant is likely to be associated with disease. The following publications have been ascertained in the context of this evaluation (PMID: 34948168, 32484238, 29272047). ClinVar contains an entry for this variant (Variation ID: 1048045). Based on the evidence outlined above, the variant was classified as pathogenic.

Fulgent Genetics
Classification: Pathogenic for Transient bullous dermolysis of the newborn; Generalized dominant dystrophic epidermolysis bullosa; Pretibial dystrophic epidermolysis bullosa; Dominant dystrophic epidermolysis bullosa with absence of skin; Recessive dystrophic epidermolysis bullosa; Epidermolysis bullosa pruriginosa; Nonsyndromic congenital nail disorder 8. Last evaluated: 2024-03-26. Review status: criteria provided, single submitter. Criteria: ACMG Guidelines, 2015. Collection method: clinical testing. Allele origin: germline.

Biomedical Innovation Departament, CIEMAT
Classification: Pathogenic for Dystrophic epidermolysis bullosa. Last evaluated: 2016-03-09. Review status: criteria provided, single submitter. Criteria: ACMG Guidelines, 2015. Collection method: research. Allele origin: germline. Affected: yes. Observed: 5 variant alleles.

Literature cited by the submitters: PubMed 20920254 (cited by Myriad Genetics, Inc.); PubMed 29272047 (cited by 4 submitters); PubMed 32484238 (cited by 4 submitters); PubMed 34046686 (cited by Myriad Genetics, Inc. and Labcorp Genetics (formerly Invitae), Labcorp); PubMed 34948168 (cited by 4 submitters); PubMed 36287101 (cited by Myriad Genetics, Inc.); PubMed 10504458 (cited by Biomedical Innovation Departament, CIEMAT).

NM_000094.4(COL7A1):c.7270C>T (p.Arg2424Trp)

Gene: COL7A1 (collagen type VII alpha 1 chain; minus strand). Cytogenetic location: 3p21.31.
Variant type: single nucleotide variant.
Coding change: c.7270C>T on transcript NM_000094.4 (MANE Select); coding-DNA position 7270, C replaced by T.
Protein change: p.Arg2424Trp; replaces arginine 2424 with tryptophan.
Molecular consequence: missense variant.
Genome position (GRCh38, 1-based): chr3:48,570,863, G>A on the plus strand (C>T on the coding strand, the complement: COL7A1 is on the minus strand). VCF-style: chr3-48570863-G-A. GRCh37 (hg19) VCF-style: chr3-48608296-G-A.
Other names: c.7270C>T (NM_000094.3); short protein forms R2424W.
Identifiers: ClinVar variation 1048045 (VCV001048045.10), dbSNP rs1189942401, ClinGen allele CA352649756.